The following is an entry in ClinVar:

NM_203447.4(DOCK8):c.913T>C (p.Cys305Arg)

Gene: DOCK8 (dedicator of cytokinesis 8; plus strand). Cytogenetic location: 9p24.3.
Variant type: single nucleotide variant.
Coding change: c.913T>C on transcript NM_203447.4 (MANE Select); coding-DNA position 913, T replaced by C.
Protein change: p.Cys305Arg; replaces cysteine 305 with arginine.
Molecular consequence: missense variant.
Genome position (GRCh38, 1-based): chr9:328,040, T>C. VCF-style: chr9-328040-T-C. GRCh37 (hg19) VCF-style: chr9-328040-T-C.
Other names: c.709T>C, p.Cys237Arg (NM_001190458.2, NM_001193536.2); short protein forms C237R, C305R.
Identifiers: ClinVar variation 1995822 (VCV001995822.4), dbSNP rs2537910717, ClinGen allele CA372751195.

ClinVar aggregate classification (germline): Uncertain significance (1 of 4 stars; one submission).

Conditions:
Combined immunodeficiency due to DOCK8 deficiency (HIES2). Also called: Hyper-IgE recurrent infection syndrome, autosomal recessive; HIES autosomal recessive; DOCK8 Deficiency; HYPER-IgE RECURRENT INFECTION SYNDROME 2, AUTOSOMAL RECESSIVE; HYPER-IgE SYNDROME 2, AUTOSOMAL RECESSIVE, WITH RECURRENT INFECTIONS. Identifiers: Orphanet 217390, MedGen C4722305, MONDO:0009478, OMIM 243700.

Submission:

Labcorp Genetics (formerly Invitae), Labcorp
Classification: Uncertain significance for Combined immunodeficiency due to DOCK8 deficiency. Last evaluated: 2022-05-25. Review status: criteria provided, single submitter. Criteria: Invitae Variant Classification Sherloc (09022015). Collection method: clinical testing. Allele origin: germline.
Comment: In summary, the available evidence is currently insufficient to determine the role of this variant in disease. Therefore, it has been classified as a Variant of Uncertain Significance. Algorithms developed to predict the effect of missense changes on protein structure and function are either unavailable or do not agree on the potential impact of this missense change (SIFT: "Deleterious"; PolyPhen-2: "Possibly Damaging"; Align-GVGD: "Class C0"). This variant has not been reported in the literature in individuals affected with DOCK8-related conditions. This variant is not present in population databases (gnomAD no frequency). This sequence change replaces cysteine, which is neutral and slightly polar, with arginine, which is basic and polar, at codon 305 of the DOCK8 protein (p.Cys305Arg).